The following is an entry in ClinVar:

NM_005826.5(HNRNPR):c.1290-13T>C

Gene: HNRNPR (heterogeneous nuclear ribonucleoprotein R; minus strand). Cytogenetic location: 1p36.12.
Variant type: single nucleotide variant.
Coding change: c.1290-13T>C on transcript NM_005826.5 (MANE Select); 13 bases into the intron before coding-DNA position 1290, T replaced by C.
Molecular consequence: intron variant.
Genome position (GRCh38, 1-based): chr1:23,311,079, A>G on the plus strand (T>C on the coding strand, the complement: HNRNPR is on the minus strand). VCF-style: chr1-23311079-A-G. GRCh37 (hg19) VCF-style: chr1-23637572-A-G.
Other names: c.873-13T>C (NM_001297622.2); c.810-13T>C (NM_001297621.2); c.987-13T>C (NM_001102397.3); c.996-13T>C (NM_001102399.3); c.1176-13T>C (NM_001297620.2); c.1299-13T>C (NM_001102398.3).
Identifiers: ClinVar variation 4056764 (VCV004056764.1).

ClinVar aggregate classification (germline): Uncertain significance (1 of 4 stars; one submission).

Conditions:
Neurodevelopmental disorder with dysmorphic facies and skeletal and brain abnormalities (NEDDFSB). Identifiers: Orphanet 662189, MedGen C5774231, MONDO:0859297, OMIM 620073.

Submission:

Laboratorio de Genetica e Diagnostico Molecular, Hospital Israelita Albert Einstein
Classification: Uncertain significance for Neurodevelopmental disorder with dysmorphic facies and skeletal and brain abnormalities. Last evaluated: 2024-01-31. Review status: criteria provided, single submitter. Criteria: ACMG Guidelines, 2015. Collection method: clinical testing. Allele origin: germline. Affected: yes.
Comment: ACMG classification criteria: PM2 moderate, BP4 supporting